The following is an entry in ClinVar:

NM_058195.4(CDKN2A):c.193+2T>C

Gene: CDKN2A (cyclin dependent kinase inhibitor 2A; minus strand). Cytogenetic location: 9p21.3.
Variant type: single nucleotide variant.
Coding change: c.193+2T>C on transcript NM_058195.4 (MANE Plus Clinical); the canonical splice donor site of the intron after coding-DNA position 193, T replaced by C.
Molecular consequence: splice donor variant. On other transcripts: intron variant (1).
Genome position (GRCh38, 1-based): chr9:21,994,137, A>G on the plus strand (T>C on the coding strand, the complement: CDKN2A is on the minus strand). VCF-style: chr9-21994137-A-G. GRCh37 (hg19) VCF-style: chr9-21994136-A-G.
Other names: c.-4+684T>C (NM_001363763.2).
Identifiers: ClinVar variation 1491259 (VCV001491259.6), dbSNP rs2131147945, ClinGen allele CA373086758.
Genomic context (GRCh38, chr9:21,994,137, plus strand): 5'-GAAATCACACCAAACAAAACAAGTGCCGAATGCGCCCCGGACTTTTCGAGGGCCTTTCCT[A>G]CCTGGTCTTCTAGGAAGCGGCTGCTGCCCTAGACGCTGGCTCCTCAGTAGCATCAGCACG-3'

ClinVar aggregate classification (germline): Likely pathogenic. Review status: criteria provided, multiple submitters, no conflicts (2 of 4 stars). 2 submissions from 2 submitters: Likely pathogenic (2). Last evaluated 2025-08-29.

Conditions:
Hereditary cancer-predisposing syndrome. Also called: Neoplastic Syndromes, Hereditary; Tumor predisposition; Hereditary Cancer Syndrome; Hereditary neoplastic syndrome. Identifiers: Orphanet 140162, MedGen C0027672, MeSH D009386, MONDO:0015356.
Familial melanoma. Also called: Hereditary melanoma; Hereditary cutaneous melanoma. Identifiers: Orphanet 618, MedGen C1512419, MONDO:0018961.

Submissions (2):

Ambry Genetics
Classification: Likely pathogenic for Hereditary cancer-predisposing syndrome. Last evaluated: 2025-08-29. Review status: criteria provided, single submitter. Criteria: Ambry Variant Classification Scheme 2023. Collection method: clinical testing. Allele origin: germline.
Comment: The c.193+2T>C intronic variant results from a T to C substitution two nucleotides after coding exon 1&beta; in the p14 isoform of the CDKN2A gene. In silico splice site analysis predicts that this alteration will weaken the native splice donor site; however, direct evidence is insufficient (Ambry internal data). This alteration has been observed in at least one individual with a personal and/or family history that is consistent with CDKN2A-related disease (Ambry internal data). In addition, this alteration has been reported in the literature as being identified in multiple families with familial melanoma (Harland M et al. Oncogene, 2005 Jun;24:4604-8). This variant is considered to be rare based on population cohorts in the Genome Aggregation Database (gnomAD). There are multiple variants at this splice donor site that are found recurrently in families with familial melanoma and they segregate with disease in those families (Pedace L et al. Cancer Epidemiol, 2011 Dec;35:e116-20; Djursby M et al. Ugeskr. Laeg., 2014 Sep;176:; Wadt KA et al. PLoS ONE, 2015 Mar;10:e0122662; Harland M et al. Oncogene, 2005 Jun;24:4604-8; Hewitt C et al. Hum. Mol. Genet., 2002 May;11:1273-9; Taylor NJ et al. J. Invest. Dermatol., 2017 12;137:2606-2612; Binni F et al. Clin. Genet., 2010 Jun;77:581-6). In addition, some of these close-match alterations are observed to have an atypical splice pattern involving multiple exons in CDKN2A (Harland M et al. Oncogene, 2005 Jun;24:4604-8; Hewitt C et al. Hum. Mol. Genet., 2002 May;11:1273-9). Based on the majority of available evidence to date, this variant is likely to be pathogenic.

Labcorp Genetics (formerly Invitae), Labcorp
Classification: Likely pathogenic for Familial melanoma. Last evaluated: 2021-08-12. Review status: criteria provided, single submitter. Criteria: Invitae Variant Classification Sherloc (09022015). Collection method: clinical testing. Allele origin: germline.
Comment: This sequence change affects a donor splice site in intron 1 of the CDKN2A (p14ARF) gene. It is expected to disrupt RNA splicing. Variants that disrupt the donor or acceptor splice site typically lead to a loss of protein function (PMID: 16199547), and loss-of-function variants in CDKN2A (p14ARF) are known to be pathogenic (PMID: 11571653, 15856016, 17440112). This variant is not present in population databases (ExAC no frequency). Disruption of this splice site has been observed in individual(s) with a personal and/or family history of melanoma (PMID: 15856016, 28830827). Algorithms developed to predict the effect of sequence changes on RNA splicing suggest that this variant may disrupt the consensus splice site. In summary, the currently available evidence indicates that the variant is pathogenic, but additional data are needed to prove that conclusively. Therefore, this variant has been classified as Likely Pathogenic.

Literature cited by the submitters: PubMed 12019208 (cited by Ambry Genetics); PubMed 15856016 (cited by Ambry Genetics and Labcorp Genetics (formerly Invitae), Labcorp); PubMed 20132244 (cited by Ambry Genetics); PubMed 21893440 (cited by Ambry Genetics); PubMed 25294512 (cited by Ambry Genetics); PubMed 25803691 (cited by Ambry Genetics); PubMed 28830827 (cited by Ambry Genetics and Labcorp Genetics (formerly Invitae), Labcorp); PubMed 16199547 (cited by Labcorp Genetics (formerly Invitae), Labcorp); PubMed 11571653 (cited by Labcorp Genetics (formerly Invitae), Labcorp); PubMed 17440112 (cited by Labcorp Genetics (formerly Invitae), Labcorp).